The following is an entry in ClinVar:

NM_174936.4(PCSK9):c.14G>C (p.Ser5Thr)

Gene: PCSK9 (proprotein convertase subtilisin/kexin type 9; plus strand). Cytogenetic location: 1p32.3.
Variant type: single nucleotide variant.
Coding change: c.14G>C on transcript NM_174936.4 (MANE Select); coding-DNA position 14, G replaced by C.
Protein change: p.Ser5Thr; replaces serine 5 with threonine.
Molecular consequence: missense variant. On other transcripts: 5 prime UTR variant (1), non-coding transcript variant (8).
Genome position (GRCh38, 1-based): chr1:55,039,851, G>C. VCF-style: chr1-55039851-G-C. GRCh37 (hg19) VCF-style: chr1-55505524-G-C.
Other names: c.14G>C, p.Ser5Thr (NM_001407240.1, NM_001407241.1, NM_001407242.1 and 4 more transcripts); c.-721G>C (NM_001407246.1); short protein forms S5T.
Identifiers: ClinVar variation 4084428 (VCV004084428.8).

ClinVar aggregate classification (germline): Uncertain significance (1 of 4 stars; one submission).

gnomAD v4.1: 2 of 1,565,124 alleles (0.00013%); highest among the groups gnomAD compares: Middle Eastern, 0.021%; no homozygotes.

Submission:

CeGaT Center for Human Genetics Tuebingen
Classification: Uncertain significance. Last evaluated: 2025-07-01. Review status: criteria provided, single submitter. Criteria: CeGaT Center For Human Genetics Tuebingen Variant Classification Criteria Version 2. Collection method: clinical testing. Allele origin: germline. Affected: yes. Observed: 1 variant allele.
Comment: PCSK9: PM2